The following is an entry in ClinVar:

NM_006231.4(POLE):c.6301G>A (p.Ala2101Thr)

Gene: POLE (DNA polymerase epsilon, catalytic subunit; minus strand). Cytogenetic location: 12q24.33.
Variant type: single nucleotide variant.
Coding change: c.6301G>A on transcript NM_006231.4 (MANE Select); coding-DNA position 6301, G replaced by A.
Protein change: p.Ala2101Thr; replaces alanine 2101 with threonine.
Molecular consequence: missense variant.
Genome position (GRCh38, 1-based): chr12:132,632,344, C>T on the plus strand (G>A on the coding strand, the complement: POLE is on the minus strand). VCF-style: chr12-132632344-C-T. GRCh37 (hg19) VCF-style: chr12-133208930-C-T.
Other names: short protein forms A2101T.
Identifiers: ClinVar variation 540654 (VCV000540654.13), dbSNP rs1395533975, ClinGen allele CA387369292.

ClinVar aggregate classification (germline): Uncertain significance. Review status: criteria provided, multiple submitters, no conflicts (2 of 4 stars). 3 submissions from 3 submitters: Uncertain significance (3). Last evaluated 2026-02-01.

Conditions:
Hereditary cancer-predisposing syndrome. Also called: Neoplastic Syndromes, Hereditary; Hereditary Cancer Syndrome; Hereditary neoplastic syndrome; Tumor predisposition. Identifiers: Orphanet 140162, MedGen C0027672, MeSH D009386, MONDO:0015356.

Allele frequency attached by ClinVar (database versions not stated): gnomAD exomes below 0.00001; gnomAD 0.00001.
gnomAD v4.1: 3 of 1,614,024 alleles (0.00019%); highest among the groups gnomAD compares: Middle Eastern, 0.016%; no homozygotes.

Submissions (3):

Labcorp Genetics (formerly Invitae), Labcorp
Classification: Uncertain significance. Last evaluated: 2026-02-01. Review status: criteria provided, single submitter. Criteria: Invitae Variant Classification Sherloc (09022015). Collection method: clinical testing. Allele origin: germline.
Comment: This sequence change replaces alanine, which is neutral and non-polar, with threonine, which is neutral and polar, at codon 2101 of the POLE protein (p.Ala2101Thr). This variant is present in population databases (no rsID available, gnomAD 0.01%). This variant has not been reported in the literature in individuals affected with POLE-related conditions. ClinVar contains an entry for this variant (Variation ID: 540654). Invitae Evidence Modeling of protein sequence and biophysical properties (such as structural, functional, and spatial information, amino acid conservation, physicochemical variation, residue mobility, and thermodynamic stability) indicates that this missense variant is not expected to disrupt POLE protein function with a negative predictive value of 80%. In summary, the available evidence is currently insufficient to determine the role of this variant in disease. Therefore, it has been classified as a Variant of Uncertain Significance.

Ambry Genetics
Classification: Uncertain significance for Hereditary cancer-predisposing syndrome. Last evaluated: 2025-04-29. Review status: criteria provided, single submitter. Criteria: Ambry Variant Classification Scheme 2023. Collection method: clinical testing. Allele origin: germline.
Comment: The p.A2101T variant (also known as c.6301G>A), located in coding exon 45 of the POLE gene, results from a G to A substitution at nucleotide position 6301. The alanine at codon 2101 is replaced by threonine, an amino acid with similar properties. This amino acid position is conserved. In addition, the in silico prediction for this alteration is inconclusive. Based on the available evidence, the clinical significance of this variant remains unclear.

GeneDx
Classification: Uncertain significance. Last evaluated: 2022-08-31. Review status: criteria provided, single submitter. Criteria: GeneDx Variant Classification Process June 2021. Collection method: clinical testing. Allele origin: germline. Affected: yes.
Comment: Not observed at significant frequency in large population cohorts (gnomAD); In silico analysis supports that this missense variant does not alter protein structure/function; Has not been previously published as pathogenic or benign to our knowledge